The following is an entry in ClinVar:

NM_014806.5(RUSC2):c.4424G>A (p.Arg1475Gln)

Gene: RUSC2 (RUN and SH3 domain containing 2; plus strand). Cytogenetic location: 9p13.3.
Variant type: single nucleotide variant.
Coding change: c.4424G>A on transcript NM_014806.5 (MANE Select); coding-DNA position 4424, G replaced by A.
Protein change: p.Arg1475Gln; replaces arginine 1475 with glutamine.
Molecular consequence: missense variant. On other transcripts: non-coding transcript variant (1).
Genome position (GRCh38, 1-based): chr9:35,561,255, G>A. VCF-style: chr9-35561255-G-A. GRCh37 (hg19) VCF-style: chr9-35561252-G-A.
Other names: c.4424G>A, p.Arg1475Gln (NM_001135999.2); c.1790G>A, p.Arg597Gln (NM_001330740.2); short protein forms R597Q, R1475Q.
Identifiers: ClinVar variation 1426842 (VCV001426842.6), dbSNP rs776549570, ClinGen allele CA5044401.

ClinVar aggregate classification (germline): Uncertain significance (1 of 4 stars; one submission).

Allele frequency attached by ClinVar (database versions not stated): TOPMed 0.00002; gnomAD exomes 0.00004; ExAC 0.00005; gnomAD 0.00005 and 0.00006.
gnomAD v4.1: 65 of 1,614,094 alleles (0.004%); highest among the groups gnomAD compares: Middle Eastern, 0.016%; no homozygotes.

Submission:

Labcorp Genetics (formerly Invitae), Labcorp
Classification: Uncertain significance. Last evaluated: 2024-10-24. Review status: criteria provided, single submitter. Criteria: Invitae Variant Classification Sherloc (09022015). Collection method: clinical testing. Allele origin: germline.
Comment: This sequence change replaces arginine, which is basic and polar, with glutamine, which is neutral and polar, at codon 1475 of the RUSC2 protein (p.Arg1475Gln). This variant is present in population databases (rs776549570, gnomAD 0.008%). This variant has not been reported in the literature in individuals affected with RUSC2-related conditions. ClinVar contains an entry for this variant (Variation ID: 1426842). An algorithm developed to predict the effect of missense changes on protein structure and function outputs the following: PolyPhen-2: "Benign". The glutamine amino acid residue is found in multiple mammalian species, which suggests that this missense change does not adversely affect protein function. In summary, the available evidence is currently insufficient to determine the role of this variant in disease. Therefore, it has been classified as a Variant of Uncertain Significance.